The following is an entry in ClinVar:

ClinVar aggregate classification (germline): Uncertain significance (1 of 4 stars; one submission).

Conditions:
Primary ciliary dyskinesia. Also called: Ciliary dyskinesia. Identifiers: Orphanet 244, MedGen C0008780, MONDO:0016575, HP:0012265.

Allele frequency attached by ClinVar (database versions not stated): ExAC 0.00001; TOPMed 0.00001.
gnomAD v4.1: 16 of 1,614,016 alleles (0.00099%); highest among the groups gnomAD compares: Admixed American, 0.0033%; no homozygotes.

Submission:

Labcorp Genetics (formerly Invitae), Labcorp
Classification: Uncertain significance for Primary ciliary dyskinesia. Last evaluated: 2020-12-08. Review status: criteria provided, single submitter. Criteria: Invitae Variant Classification Sherloc (09022015). Collection method: clinical testing. Allele origin: germline.
Comment: This sequence change affects codon 92 of the CCDC103 mRNA. It is a 'silent' change, meaning that it does not change the encoded amino acid sequence of the CCDC103 protein. This variant also falls at the last nucleotide of exon 3, which is part of the consensus splice site for this exon. This variant is present in population databases (rs749064353, ExAC 0.009%). This variant has not been reported in the literature in individuals with CCDC103-related conditions. Nucleotide substitutions within the consensus splice site are a relatively common cause of aberrant splicing (PMID: 17576681, 9536098). Algorithms developed to predict the effect of sequence changes on RNA splicing suggest that this variant may disrupt the consensus splice site, but this prediction has not been confirmed by published transcriptional studies. In summary, the available evidence is currently insufficient to determine the role of this variant in disease. Therefore, it has been classified as a Variant of Uncertain Significance.

Literature cited by the submitters: PubMed 17576681; PubMed 9536098.

NM_213607.3(DNAAF19):c.276G>A (p.Pro92=)

Gene: DNAAF19 (dynein axonemal assembly factor 19; plus strand). Cytogenetic location: 17q21.31.
Variant type: single nucleotide variant.
Coding change: c.276G>A on transcript NM_213607.3 (MANE Select); coding-DNA position 276, G replaced by A.
Protein change: p.Pro92=; no amino-acid change (proline 92 retained).
Molecular consequence: synonymous variant.
Genome position (GRCh38, 1-based): chr17:44,901,652, G>A. VCF-style: chr17-44901652-G-A. GRCh37 (hg19) VCF-style: chr17-42979020-G-A.
Other names: c.276G>A, p.Pro92= (NM_001258395.2, NM_001258396.2, NM_001258397.3 and 2 more transcripts).
Identifiers: ClinVar variation 1391580 (VCV001391580.3), dbSNP rs749064353, ClinGen allele CA8608315.